The following is an entry in ClinVar:

NM_006258.4(PRKG1):c.85G>C (p.Glu29Gln)

Gene: PRKG1 (protein kinase cGMP-dependent 1; plus strand). Cytogenetic location: 10q11.23.
Variant type: single nucleotide variant.
Coding change: c.85G>C on transcript NM_006258.4 (MANE Select); coding-DNA position 85, G replaced by C.
Protein change: p.Glu29Gln; replaces glutamic acid 29 with glutamine.
Molecular consequence: missense variant. On other transcripts: intron variant (1).
Genome position (GRCh38, 1-based): chr10:51,074,675, G>C. VCF-style: chr10-51074675-G-C. GRCh37 (hg19) VCF-style: chr10-52834435-G-C.
Other names: c.85G>C, p.Glu29Gln (NM_001374782.1); c.267-78489G>C (NM_001098512.3); short protein forms E29Q.
Identifiers: ClinVar variation 2814368 (VCV002814368.3), dbSNP rs2493151991, ClinGen allele CA376826756.
Genomic context (GRCh38, chr10:51,074,675, plus strand): 5'-TACGCGCTCCAGGAGAAGATCGAGGAGCTGAGGCAGCGGGATGCTCTCATCGACGAGCTG[G>C]AGCTGGAGTTGGATCAGAAGGACGAACTGATCCAGAAGCTGCAGAACGAGCTGGACAAGT-3'
Protein context (NP_006249.1, residues 19-39): RQRDALIDEL[Glu29Gln]LELDQKDELI

ClinVar aggregate classification (germline): Uncertain significance (1 of 4 stars; one submission).

Conditions:
Aortic aneurysm, familial thoracic 8 (AAT8). Identifiers: MedGen C3809513, MONDO:0014187, OMIM 615436.

Submission:

Labcorp Genetics (formerly Invitae), Labcorp
Classification: Uncertain significance for Aortic aneurysm, familial thoracic 8. Last evaluated: 2024-04-17. Review status: criteria provided, single submitter. Criteria: Invitae Variant Classification Sherloc (09022015). Collection method: clinical testing. Allele origin: germline.
Comment: This sequence change replaces glutamic acid, which is acidic and polar, with glutamine, which is neutral and polar, at codon 29 of the PRKG1 protein (p.Glu29Gln). This variant is not present in population databases (gnomAD no frequency). This variant has not been reported in the literature in individuals affected with PRKG1-related conditions. An algorithm developed to predict the effect of missense changes on protein structure and function (PolyPhen-2) suggests that this variant is likely to be tolerated. In summary, the available evidence is currently insufficient to determine the role of this variant in disease. Therefore, it has been classified as a Variant of Uncertain Significance.